The following is an entry in ClinVar:

ClinVar aggregate classification (germline): Conflicting classifications of pathogenicity. Review status: criteria provided, conflicting classifications (1 of 4 stars). 3 submissions from 3 submitters: Uncertain significance (2); Likely benign (1). Last evaluated 2025-11-17.

Conditions:
Hyperphosphatasia with intellectual disability syndrome 5 (GPIBD11). Also called: GLYCOSYLPHOSPHATIDYLINOSITOL BIOSYNTHESIS DEFECT 11. Identifiers: Orphanet 247262, MedGen C4014958, MONDO:0014457, OMIM 616025.

Allele frequency attached by ClinVar (database versions not stated): ESP Exome Variant Server 0.00008; TOPMed 0.00015; gnomAD 0.00019 and 0.00033; gnomAD exomes 0.00032 and 0.00048; 1000 Genomes Project 0.00040; 1000 Genomes Project 30x 0.00047; ExAC 0.00049.
gnomAD v4.1: 528 of 1,614,066 alleles (0.033%); highest among the groups gnomAD compares: South Asian, 0.39%; 6 homozygotes.

Submissions (3):

Labcorp Genetics (formerly Invitae), Labcorp
Classification: Likely benign for Hyperphosphatasia with intellectual disability syndrome 5. Last evaluated: 2025-11-17. Review status: criteria provided, single submitter. Criteria: Invitae Variant Classification Sherloc (09022015). Collection method: clinical testing. Allele origin: germline.

Blueprint Genetics
Classification: Uncertain significance. Last evaluated: 2024-06-28. Review status: criteria provided, single submitter. Criteria: ACMG Guidelines, 2015. Collection method: clinical testing. Allele origin: germline.

Baylor Genetics
Classification: Uncertain significance for Hyperphosphatasia with intellectual disability syndrome 5. Last evaluated: 2020-05-01. Review status: criteria provided, single submitter. Criteria: ACMG Guidelines, 2015. Collection method: clinical testing. Allele origin: unknown. Affected: yes.
Comment: This variant was determined to be of uncertain significance according to ACMG Guidelines, 2015 [PMID:25741868].

NM_001346754.2(PIGW):c.533C>G (p.Ser178Cys)

Genes: MYO19 (myosin XIX; minus strand), PIGW (phosphatidylinositol glycan anchor biosynthesis class W; plus strand). Cytogenetic location: 17q12.
Variant type: single nucleotide variant.
Coding change: c.533C>G on transcript NM_001346754.2 (MANE Select); coding-DNA position 533, C replaced by G.
Protein change: p.Ser178Cys; replaces serine 178 with cysteine.
Molecular consequence: missense variant.
Genome position (GRCh38, 1-based): chr17:36,537,634, C>G. VCF-style: chr17-36537634-C-G. GRCh37 (hg19) VCF-style: chr17-34893483-C-G.
Other names: c.533C>G, p.Ser178Cys (NM_001346755.2, NM_178517.5); short protein forms S178C.
Identifiers: ClinVar variation 715283 (VCV000715283.13), dbSNP rs368008171, ClinGen allele CA290115995.